The following is an entry in ClinVar:

NM_000059.4(BRCA2):c.782del (p.Ala261fs)

Gene: BRCA2 (BRCA2 DNA repair associated; plus strand). Cytogenetic location: 13q13.1.
Variant type: Deletion.
Coding change: c.782del on transcript NM_000059.4 (MANE Select); coding-DNA position 782, one base deleted (C; older notation c.782delC).
Protein change: p.Ala261fs; shifts the reading frame from alanine 261.
Molecular consequence: frameshift variant. On other transcripts: non-coding transcript variant (1).
Genome position (GRCh38, 1-based): chr13:32,331,019, C deleted. VCF-style (leftmost placement, unchanged base first): chr13-32331018-GC-G. GRCh37 (hg19) VCF-style: chr13-32905155-GC-G.
Other names: c.782del, p.Ala261fs (NM_001406719.1, NM_001406720.1, NM_001406721.1); c.413del, p.Ala138fs (NM_001406722.1); short protein forms A138fs, A261fs.
Identifiers: ClinVar variation 2674551 (VCV002674551.4), dbSNP rs2548518117, ClinGen allele CA2695199245.

ClinVar aggregate classification (germline): Pathogenic. Review status: criteria provided, multiple submitters, no conflicts (2 of 4 stars). 2 submissions from 2 submitters: Pathogenic (2). Last evaluated 2023-10-22.

Conditions:
Breast-ovarian cancer, familial, susceptibility to, 2 (BROVCA2). Also called: BRCA2 Hereditary Breast and Ovarian Cancer. Identifiers: Orphanet 145, MedGen C2675520, MONDO:0012933, OMIM 612555. Disease mechanism: loss of function.
Hereditary breast ovarian cancer syndrome. Also called: Hereditary breast and/or ovarian cancer syndrome; Hereditary breast and ovarian cancer syndrome (HBOC); Breast and ovarian cancer; Hereditary breast and ovarian cancer syndrome; Hereditary breast and ovarian cancer; BRCA1- and BRCA2-Associated Hereditary Breast and Ovarian Cancer. Identifiers: Orphanet 145, MedGen C0677776, MeSH D061325, MONDO:0003582. Disease mechanism: loss of function.

Submissions (2):

Labcorp Genetics (formerly Invitae), Labcorp
Classification: Pathogenic for Hereditary breast ovarian cancer syndrome. Last evaluated: 2023-10-22. Review status: criteria provided, single submitter. Criteria: Invitae Variant Classification Sherloc (09022015). Collection method: clinical testing. Allele origin: germline.
Comment: This sequence change creates a premature translational stop signal (p.Ala261Valfs*16) in the BRCA2 gene. It is expected to result in an absent or disrupted protein product. Loss-of-function variants in BRCA2 are known to be pathogenic (PMID: 20104584). This variant is not present in population databases (gnomAD no frequency). This variant has not been reported in the literature in individuals affected with BRCA2-related conditions. For these reasons, this variant has been classified as Pathogenic.

Myriad Genetics, Inc.
Classification: Pathogenic for Breast-ovarian cancer, familial, susceptibility to, 2. Last evaluated: 2023-09-19. Review status: criteria provided, single submitter. Criteria: Myriad Autosomal Dominant, Autosomal Recessive and X-Linked Classification Criteria (2023). Collection method: clinical testing. Allele origin: unknown.
Comment: This variant is considered pathogenic. This variant creates a frameshift predicted to result in premature protein truncation.

Literature cited by the submitters: PubMed 20104584 (cited by Labcorp Genetics (formerly Invitae), Labcorp).